The following is an entry in ClinVar:

NM_177438.3(DICER1):c.5194C>G (p.Leu1732Val)

Gene: DICER1 (dicer 1, ribonuclease III; minus strand). Cytogenetic location: 14q32.13.
Variant type: single nucleotide variant.
Coding change: c.5194C>G on transcript NM_177438.3 (MANE Select); coding-DNA position 5194, C replaced by G.
Protein change: p.Leu1732Val; replaces leucine 1732 with valine.
Molecular consequence: missense variant. On other transcripts: non-coding transcript variant (6).
Genome position (GRCh38, 1-based): chr14:95,094,058, G>C on the plus strand (C>G on the coding strand, the complement: DICER1 is on the minus strand). VCF-style: chr14-95094058-G-C. GRCh37 (hg19) VCF-style: chr14-95560395-G-C.
Other names: c.5194C>G, p.Leu1732Val (NM_001195573.1, NM_001271282.3, NM_001291628.2 and 8 more transcripts); c.4912C>G, p.Leu1638Val (NM_001395686.1); c.4789C>G, p.Leu1597Val (NM_001395687.1, NM_001395688.1, NM_001395689.1 and 1 more transcripts); c.4627C>G, p.Leu1543Val (NM_001395691.1); c.3511C>G, p.Leu1171Val (NM_001395697.1); short protein forms L1543V, L1597V, L1171V, L1638V, L1732V.
Identifiers: ClinVar variation 5035270 (VCV005035270.1).

ClinVar aggregate classification (germline): Uncertain significance (1 of 4 stars; one submission).

Conditions:
Hereditary cancer-predisposing syndrome. Also called: Hereditary Cancer Syndrome; Neoplastic Syndromes, Hereditary; Tumor predisposition; Hereditary neoplastic syndrome. Identifiers: Orphanet 140162, MedGen C0027672, MeSH D009386, MONDO:0015356.

Submission:

Ambry Genetics
Classification: Uncertain significance for Hereditary cancer-predisposing syndrome. Last evaluated: 2026-07-07. Review status: criteria provided, single submitter. Criteria: Ambry Variant Classification Scheme 2023. Collection method: clinical testing. Allele origin: germline.
Comment: The p.L1732V variant (also known as c.5194C>G), located in coding exon 23 of the DICER1 gene, results from a C to G substitution at nucleotide position 5194. The leucine at codon 1732 is replaced by valine, an amino acid with highly similar properties. This amino acid position is conserved. In addition, this alteration is predicted to be deleterious by in silico analysis. Based on the available evidence, the clinical significance of this variant remains unclear.